The following is an entry in ClinVar:

NM_016222.4(DDX41):c.448C>G (p.Arg150Gly)

Gene: DDX41 (DEAD-box helicase 41; minus strand). Cytogenetic location: 5q35.3.
Variant type: single nucleotide variant.
Coding change: c.448C>G on transcript NM_016222.4 (MANE Select); coding-DNA position 448, C replaced by G.
Protein change: p.Arg150Gly; replaces arginine 150 with glycine.
Molecular consequence: missense variant.
Genome position (GRCh38, 1-based): chr5:177,515,808, G>C on the plus strand (C>G on the coding strand, the complement: DDX41 is on the minus strand). VCF-style: chr5-177515808-G-C. GRCh37 (hg19) VCF-style: chr5-176942809-G-C.
Other names: c.70C>G, p.Arg24Gly (NM_001321732.2, NM_001321830.2); short protein forms R150G, R24G.
Identifiers: ClinVar variation 4617218 (VCV004617218.2).

ClinVar aggregate classification (germline): Uncertain significance. Review status: criteria provided, multiple submitters, no conflicts (2 of 4 stars). 2 submissions from 2 submitters: Uncertain significance (2). Last evaluated 2026-02-11.

Conditions:
DDX41-related hematologic malignancy predisposition syndrome. Also called: DDX41-Associated Familial Myelodysplastic Syndrome and Acute Myeloid Leukemia; Myeloproliferative/lymphoproliferative neoplasms, familial (multiple types), susceptibility to. Identifiers: Orphanet 488647, MedGen C4225174, MONDO:0014809, OMIM 616871.
Inborn genetic diseases. Identifiers: MedGen C0950123, MeSH D030342.

gnomAD v4.1: 2 of 1,614,166 alleles (0.00012%); highest among the groups gnomAD compares: Admixed American, 0.0033%; no homozygotes.

Submissions (2):

St. Jude Molecular Pathology, St. Jude Children's Research Hospital
Classification: Uncertain significance for DDX41-related hematologic malignancy predisposition syndrome. Last evaluated: 2026-02-11. Review status: criteria provided, single submitter. Criteria: St. Jude Assertion Criteria 2020. Collection method: clinical testing. Allele origin: germline.
Comment: The DDX41 c.448C>G p.(Arg150Gly) missense change has a maximum subpopulation frequency of 0.006% in gnomAD v2.1.1. The in silico tool REVEL predicts a benign effect on protein function, but to our knowledge this prediction has not been confirmed by functional studies. To our knowledge, this variant has not been reported in individuals with DDX41-associated familial myeloproliferative/lymphoproliferative neoplasms. In summary, the evidence currently available is insufficient to determine the clinical significance of this variant. It has therefore been classified as of uncertain significance.

Ambry Genetics
Classification: Uncertain significance for Inborn genetic diseases. Last evaluated: 2025-11-11. Review status: criteria provided, single submitter. Criteria: Ambry Variant Classification Scheme 2023. Collection method: clinical testing. Allele origin: germline.